The following is an entry in ClinVar:

ClinVar aggregate classification (germline): Likely benign. Review status: criteria provided, multiple submitters, no conflicts (2 of 4 stars). 3 submissions from 3 submitters: Likely benign (3). Last evaluated 2026-01-27.

Conditions:
RASopathy. Also called: rasopathies; Noonan spectrum disorder. Identifiers: Orphanet 536391, MedGen C5555857, MONDO:0021060.

Allele frequency attached by ClinVar (database versions not stated): gnomAD exomes below 0.00001; TOPMed below 0.00001; gnomAD 0.00001.
gnomAD v4.1: 4 of 1,608,340 alleles (0.00025%); highest among the groups gnomAD compares: Admixed American, 0.0033%; no homozygotes.

Submissions (3):

Labcorp Genetics (formerly Invitae), Labcorp
Classification: Likely benign for RASopathy. Last evaluated: 2026-01-27. Review status: criteria provided, single submitter. Criteria: Invitae Variant Classification Sherloc (09022015). Collection method: clinical testing. Allele origin: germline.

Blueprint Genetics
Classification: Likely benign. Last evaluated: 2024-01-03. Review status: criteria provided, single submitter. Criteria: ACMG Guidelines, 2015. Collection method: clinical testing. Allele origin: germline.

CeGaT Center for Human Genetics Tuebingen
Classification: Likely benign. Last evaluated: 2023-10-01. Review status: criteria provided, single submitter. Criteria: CeGaT Center For Human Genetics Tuebingen Variant Classification Criteria Version 2. Collection method: clinical testing. Allele origin: germline. Affected: yes. Observed: 1 variant allele.
Comment: CBL: BP4

NM_005188.4(CBL):c.1008-8C>T

Gene: CBL (Cbl proto-oncogene; plus strand). Cytogenetic location: 11q23.3.
Variant type: single nucleotide variant.
Coding change: c.1008-8C>T on transcript NM_005188.4 (MANE Select); 8 bases into the intron before coding-DNA position 1008, C replaced by T.
Molecular consequence: intron variant.
Genome position (GRCh38, 1-based): chr11:119,277,749, C>T. VCF-style: chr11-119277749-C-T. GRCh37 (hg19) VCF-style: chr11-119148459-C-T.
Identifiers: ClinVar variation 1569315 (VCV001569315.32), dbSNP rs1172261425, ClinGen allele CA602194691.
Genomic context (GRCh38, chr11:119,277,749, plus strand): 5'-ATTTGTCTATATTAGCAAGCACTGGCAAATTGGCTTAAATAAAACCCAGGGTTGGTTACT[C>T]TTTACAGCTATTTGTTTCCTGATGGACGAAATCAGAATCCTGATCTGACTGGCTTATGTG-3'